The following is an entry in ClinVar:

NM_000179.3(MSH6):c.1111G>A (p.Glu371Lys)

Gene: MSH6 (mutS homolog 6; plus strand). Cytogenetic location: 2p16.3.
Variant type: single nucleotide variant.
Coding change: c.1111G>A on transcript NM_000179.3 (MANE Select); coding-DNA position 1111, G replaced by A.
Protein change: p.Glu371Lys; replaces glutamic acid 371 with lysine.
Molecular consequence: missense variant.
Genome position (GRCh38, 1-based): chr2:47,799,094, G>A. VCF-style: chr2-47799094-G-A. GRCh37 (hg19) VCF-style: chr2-48026233-G-A.
Other names: c.721G>A, p.Glu241Lys (NM_001281492.2); c.205G>A, p.Glu69Lys (NM_001281493.2, NM_001281494.2); short protein forms E371K, E69K, E241K.
Identifiers: ClinVar variation 525859 (VCV000525859.12), dbSNP rs1336187952, ClinGen allele CA346741970.
Genomic context (GRCh38, chr2:47,799,094, plus strand): 5'-CACGTTAGTGGAGGTGGTGATGACAGTAGTCGCCCTACTGTTTGGTATCATGAAACTTTA[G>A]AATGGCTTAAGGAGGAAAAGAGAAGAGATGAGCACAGGAGGAGGCCTGATCACCCCGATT-3'
Protein context (NP_000170.1, residues 361-381): RPTVWYHETL[Glu371Lys]WLKEEKRRDE

ClinVar aggregate classification (germline): Uncertain significance. Review status: criteria provided, multiple submitters, no conflicts (2 of 4 stars). 3 submissions from 3 submitters: Uncertain significance (3). Last evaluated 2025-06-18.

Conditions:
Hereditary nonpolyposis colorectal neoplasms. Identifiers: MedGen C0009405, MeSH D003123.
Hereditary cancer-predisposing syndrome. Also called: Neoplastic Syndromes, Hereditary; Tumor predisposition; Hereditary Cancer Syndrome; Hereditary neoplastic syndrome. Identifiers: Orphanet 140162, MedGen C0027672, MeSH D009386, MONDO:0015356.

Allele frequency attached by ClinVar (database versions not stated): TOPMed 0.00001.

Submissions (3):

GeneDx
Classification: Uncertain significance. Last evaluated: 2025-06-18. Review status: criteria provided, single submitter. Criteria: GeneDx Variant Classification Process June 2021. Collection method: clinical testing. Allele origin: germline. Affected: yes.
Comment: Not observed at significant frequency in large population cohorts (gnomAD); In silico analysis supports that this missense variant has a deleterious effect on protein structure/function; Has not been previously published as pathogenic or benign to our knowledge; This variant is associated with the following publications: (PMID: 17531815, 21120944)

Labcorp Genetics (formerly Invitae), Labcorp
Classification: Uncertain significance for Hereditary nonpolyposis colorectal neoplasms. Last evaluated: 2024-07-18. Review status: criteria provided, single submitter. Criteria: Invitae Variant Classification Sherloc (09022015). Collection method: clinical testing. Allele origin: germline.
Comment: This sequence change replaces glutamic acid, which is acidic and polar, with lysine, which is basic and polar, at codon 371 of the MSH6 protein (p.Glu371Lys). This variant is not present in population databases (gnomAD no frequency). This variant has not been reported in the literature in individuals affected with MSH6-related conditions. ClinVar contains an entry for this variant (Variation ID: 525859). Advanced modeling of protein sequence and biophysical properties (such as structural, functional, and spatial information, amino acid conservation, physicochemical variation, residue mobility, and thermodynamic stability) performed at Invitae indicates that this missense variant is not expected to disrupt MSH6 protein function with a negative predictive value of 95%. In summary, the available evidence is currently insufficient to determine the role of this variant in disease. Therefore, it has been classified as a Variant of Uncertain Significance.

Ambry Genetics
Classification: Uncertain significance for Hereditary cancer-predisposing syndrome. Last evaluated: 2020-09-30. Review status: criteria provided, single submitter. Criteria: Ambry Variant Classification Scheme 2023. Collection method: clinical testing. Allele origin: germline.
Comment: The p.E371K variant (also known as c.1111G>A), located in coding exon 4 of the MSH6 gene, results from a G to A substitution at nucleotide position 1111. The glutamic acid at codon 371 is replaced by lysine, an amino acid with similar properties. This amino acid position is well conserved in available vertebrate species. In addition, this alteration is predicted to be deleterious by in silico analysis. Since supporting evidence is limited at this time, the clinical significance of this alteration remains unclear.